The following is an entry in ClinVar:

NM_006514.4(SCN10A):c.431G>T (p.Cys144Phe)

Gene: SCN10A (sodium voltage-gated channel alpha subunit 10; minus strand). Cytogenetic location: 3p22.2.
Variant type: single nucleotide variant.
Coding change: c.431G>T on transcript NM_006514.4 (MANE Select); coding-DNA position 431, G replaced by T.
Protein change: p.Cys144Phe; replaces cysteine 144 with phenylalanine.
Molecular consequence: missense variant.
Genome position (GRCh38, 1-based): chr3:38,788,995, C>A on the plus strand (G>T on the coding strand, the complement: SCN10A is on the minus strand). VCF-style: chr3-38788995-C-A. GRCh37 (hg19) VCF-style: chr3-38830486-C-A.
Other names: c.431G>T, p.Cys144Phe (NM_001293306.2, NM_001293307.2); short protein forms C144F.
Identifiers: ClinVar variation 1302126 (VCV001302126.3), dbSNP rs1314478944, ClinGen allele CA352159901.

ClinVar aggregate classification (germline): Uncertain significance. Review status: criteria provided, multiple submitters, no conflicts (2 of 4 stars). 2 submissions from 2 submitters: Uncertain significance (2). Last evaluated 2024-03-18.

Allele frequency attached by ClinVar (database versions not stated): gnomAD 0.00001; TOPMed 0.00001.
gnomAD v4.1: 11 of 1,612,282 alleles (0.00068%); highest among the groups gnomAD compares: African/African-American, 0.0027%; no homozygotes.

Submissions (2):

Blueprint Genetics
Classification: Uncertain significance. Last evaluated: 2024-03-18. Review status: criteria provided, single submitter. Criteria: ACMG Guidelines, 2015. Collection method: clinical testing. Allele origin: germline.

GeneDx
Classification: Uncertain significance. Last evaluated: 2019-05-03. Review status: criteria provided, single submitter. Criteria: GeneDx Variant Classification Process June 2021. Collection method: clinical testing. Allele origin: germline. Affected: yes.
Comment: Not observed at a significant frequency in large population cohorts (Lek et al., 2016); In silico analysis, which includes protein predictors and evolutionary conservation, supports a deleterious effect; Has not been previously published as pathogenic or benign to our knowledge